The following is an entry in ClinVar:

NM_002907.4(RECQL):c.820del (p.Cys274fs)

Gene: RECQL (RecQ like helicase; minus strand). Cytogenetic location: 12p12.1.
Variant type: Deletion.
Coding change: c.820del on transcript NM_002907.4 (MANE Select); coding-DNA position 820, one base deleted (T; older notation c.820delT).
Protein change: p.Cys274fs; shifts the reading frame from cysteine 274.
Molecular consequence: frameshift variant.
Genome position (GRCh38, 1-based): chr12:21,477,850, A deleted on the plus strand (T on the coding strand, the reverse complement: RECQL is on the minus strand). VCF-style (leftmost placement, unchanged base first): chr12-21477849-CA-C. GRCh37 (hg19) VCF-style: chr12-21630783-CA-C.
Other names: c.820del, p.Cys274fs (NM_032941.3); c.820delT (NM_002907.3); short protein forms C274fs.
Identifiers: ClinVar variation 1982340 (VCV001982340.6), dbSNP rs2540356115, ClinGen allele CA2580085316.

ClinVar aggregate classification (germline): Uncertain significance. Review status: criteria provided, multiple submitters, no conflicts (2 of 4 stars). 2 submissions from 2 submitters: Uncertain significance (2). Last evaluated 2022-11-30.

Submissions (2):

Ambry Genetics
Classification: Uncertain significance. Last evaluated: 2022-11-30. Review status: criteria provided, single submitter. Criteria: Ambry Variant Classification Scheme 2023. Collection method: clinical testing. Allele origin: germline.
Comment: The c.820delT variant, located in coding exon 6 of the RECQL gene, results from a deletion of one nucleotide at nucleotide position 820, causing a translational frameshift with a predicted alternate stop codon (p.C274Vfs*32). This alteration is expected to result in loss of function by premature protein truncation or nonsense-mediated mRNA decay. The evidence for this gene-disease relationship is limited; therefore, the clinical significance of this alteration is unclear.

Labcorp Genetics (formerly Invitae), Labcorp
Classification: Uncertain significance. Last evaluated: 2022-10-31. Review status: criteria provided, single submitter. Criteria: Invitae Variant Classification Sherloc (09022015). Collection method: clinical testing. Allele origin: germline.
Comment: In summary, the available evidence is currently insufficient to determine the role of this variant in disease. Therefore, it has been classified as a Variant of Uncertain Significance. This variant has not been reported in the literature in individuals affected with RECQL-related conditions. This variant is not present in population databases (gnomAD no frequency). This sequence change creates a premature translational stop signal (p.Cys274Valfs*32) in the RECQL gene. It is expected to result in an absent or disrupted protein product. However, the current clinical and genetic evidence is not sufficient to establish whether loss-of-function variants in RECQL cause disease.